The following is an entry in ClinVar:

NM_001127464.1:c.4450C>T

Gene: ZNF469 (zinc finger protein 469; plus strand).
Variant type: single nucleotide variant.
Identifiers: ClinVar variation 4615537 (VCV004615537.1).

ClinVar aggregate classification (germline): Uncertain significance (1 of 4 stars; one submission).

Conditions:
Cardiovascular phenotype. Identifiers: MedGen CN230736.

Submission:

Ambry Genetics
Classification: Uncertain significance for Cardiovascular phenotype. Last evaluated: 2025-12-10. Review status: criteria provided, single submitter. Criteria: Ambry Variant Classification Scheme 2023. Collection method: clinical testing. Allele origin: germline.
Comment: The p.P1484S variant (also known as c.4450C>T), located in coding exon 2 of the ZNF469 gene, results from a C to T substitution at nucleotide position 4450. The proline at codon 1484 is replaced by serine, an amino acid with similar properties. This amino acid position is conserved. In addition, this alteration is predicted to be tolerated by in silico analysis. Based on the available evidence, the clinical significance of this variant remains unclear.